The following is an entry in ClinVar:

NM_000059.4(BRCA2):c.3253C>T (p.His1085Tyr)

Gene: BRCA2 (BRCA2 DNA repair associated; plus strand). Cytogenetic location: 13q13.1.
Variant type: single nucleotide variant.
Coding change: c.3253C>T on transcript NM_000059.4 (MANE Select); coding-DNA position 3253, C replaced by T.
Protein change: p.His1085Tyr; replaces histidine 1085 with tyrosine.
Molecular consequence: missense variant.
Genome position (GRCh38, 1-based): chr13:32,337,608, C>T. VCF-style: chr13-32337608-C-T. GRCh37 (hg19) VCF-style: chr13-32911745-C-T.
Other names: short protein forms H1085Y.
Identifiers: ClinVar variation 1687122 (VCV001687122.7), dbSNP rs2137494760, ClinGen allele CA387775988.

ClinVar aggregate classification (germline): Conflicting classifications of pathogenicity. Review status: criteria provided, conflicting classifications (1 of 4 stars). 4 submissions from 4 submitters: Uncertain significance (2); Likely benign (1). 1 of the submissions does not count toward it. Last evaluated 2026-01-31.

Conditions:
Hereditary cancer-predisposing syndrome. Also called: Hereditary Cancer Syndrome; Hereditary neoplastic syndrome; Neoplastic Syndromes, Hereditary; Tumor predisposition. Identifiers: Orphanet 140162, MedGen C0027672, MeSH D009386, MONDO:0015356.
Hereditary breast ovarian cancer syndrome. Also called: Hereditary breast and ovarian cancer syndrome; Hereditary breast and ovarian cancer syndrome (HBOC); Breast and ovarian cancer; Hereditary breast and ovarian cancer; Hereditary breast and/or ovarian cancer syndrome; BRCA1- and BRCA2-Associated Hereditary Breast and Ovarian Cancer. Identifiers: Orphanet 145, MedGen C0677776, MeSH D061325, MONDO:0003582. Disease mechanism: loss of function.
Familial cancer of breast. Also called: BREAST CANCER, FAMILIAL; Hereditary breast cancer; hereditary breast carcinoma. Identifiers: Orphanet 227535, MedGen C0346153, MONDO:0016419, OMIM 114480. Disease mechanism: loss of function.

Submissions (4):

Labcorp Genetics (formerly Invitae), Labcorp
Classification: Uncertain significance for Hereditary breast ovarian cancer syndrome. Last evaluated: 2026-01-31. Review status: criteria provided, single submitter. Criteria: Invitae Variant Classification Sherloc (09022015). Collection method: clinical testing. Allele origin: germline.
Comment: This sequence change replaces histidine, which is basic and polar, with tyrosine, which is neutral and polar, at codon 1085 of the BRCA2 protein (p.His1085Tyr). This variant is not present in population databases (gnomAD no frequency). This missense change has been observed in individual(s) with breast and/or ovarian cancer (PMID: 35918668). ClinVar contains an entry for this variant (Variation ID: 1687122). Invitae Evidence Modeling of protein sequence and biophysical properties (such as structural, functional, and spatial information, amino acid conservation, physicochemical variation, residue mobility, and thermodynamic stability) indicates that this missense variant is not expected to disrupt BRCA2 protein function with a negative predictive value of 95%. In summary, the available evidence is currently insufficient to determine the role of this variant in disease. Therefore, it has been classified as a Variant of Uncertain Significance.

University of Washington Department of Laboratory Medicine, University of Washington
Classification: Likely benign for Hereditary cancer-predisposing syndrome. Last evaluated: 2023-03-23. Review status: criteria provided, single submitter. Criteria: Dines et al. (Genet Med. 2020). Collection method: curation. Allele origin: germline.
Comment: Missense variant in a coldspot region where missense variants are very unlikely to be pathogenic (PMID:31911673).

BRCA2 exon 11 coldspot. Reclassification based on statistical prior probability.

Ambry Genetics
Classification: Uncertain significance for Hereditary cancer-predisposing syndrome. Last evaluated: 2022-04-09. Review status: criteria provided, single submitter. Criteria: Ambry Variant Classification Scheme 2023. Collection method: clinical testing. Allele origin: germline.
Comment: The p.H1085Y variant (also known as c.3253C>T), located in coding exon 10 of the BRCA2 gene, results from a C to T substitution at nucleotide position 3253. The histidine at codon 1085 is replaced by tyrosine, an amino acid with similar properties. This amino acid position is conserved. In addition, this alteration is predicted to be tolerated by in silico analysis. Since supporting evidence is limited at this time, the clinical significance of this alteration remains unclear.

Center for Precision Medicine, Meizhou People's Hospital
Classification: Uncertain significance for Familial cancer of breast. Review status: no assertion criteria provided. Collection method: literature only. Allele origin: germline. Affected: yes. Not counted in ClinVar's aggregate classification.

Literature cited by the submitters: PubMed 35918668 (cited by Labcorp Genetics (formerly Invitae), Labcorp); PubMed 33471991 (cited by Center for Precision Medicine, Meizhou People's Hospital).